The following is an entry in ClinVar:

NM_000492.4(CFTR):c.53+324A>G

Gene: CFTR (CF transmembrane conductance regulator; plus strand). Cytogenetic location: 7q31.2.
Variant type: single nucleotide variant.
Coding change: c.53+324A>G on transcript NM_000492.4 (MANE Select); 324 bases into the intron after coding-DNA position 53, A replaced by G.
Molecular consequence: intron variant.
Genome position (GRCh38, 1-based): chr7:117,480,471, A>G. VCF-style: chr7-117480471-A-G. GRCh37 (hg19) VCF-style: chr7-117120525-A-G.
Identifiers: ClinVar variation 1162240 (VCV001162240.1), dbSNP rs78171410, ClinGen allele CA164949178.

ClinVar aggregate classification (germline): Uncertain significance (1 of 4 stars; one submission).

Conditions:
Cystic fibrosis (CF). Also called: MUCOVISCIDOSIS. Identifiers: Orphanet 586, MedGen C0010674, MONDO:0009061, OMIM 219700. Disease mechanism: loss of function.

Allele frequency attached by ClinVar (database versions not stated): gnomAD 0.00578 and 0.00590; TOPMed 0.00541; 1000 Genomes Project 30x 0.00187; 1000 Genomes Project 0.00180.
gnomAD v4.1: 887 of 152,274 alleles (0.58%); highest among the groups gnomAD compares: Non-Finnish European, 0.91%; 5 homozygotes.

Submission:

Johns Hopkins Genomics, Johns Hopkins University
Classification: Uncertain significance for Cystic fibrosis. Last evaluated: 2021-06-01. Review status: criteria provided, single submitter. Criteria: ACMG Guidelines, 2015. Collection method: clinical testing. Allele origin: germline.
Comment: This intronic CFTR variant (rs78171410) is present in a large population dataset (gnomAD: 177/31390 total alleles; 0.06%; no homozygotes). It has not been reported in ClinVar nor the literature, to our knowledge. Three bioinformatic tools predict that this variant may create a weak cryptic donor acceptor site, however, this has not been assessed experimentally to our knowledge. We consider the clinical significance of c.53+324A>G to be uncertain at this time.